The following is an entry in ClinVar:

NM_001170629.2(CHD8):c.7345C>T (p.His2449Tyr)

Gene: CHD8 (chromodomain helicase DNA binding protein 8; minus strand). Cytogenetic location: 14q11.2.
Variant type: single nucleotide variant.
Coding change: c.7345C>T on transcript NM_001170629.2 (MANE Select); coding-DNA position 7345, C replaced by T.
Protein change: p.His2449Tyr; replaces histidine 2449 with tyrosine.
Molecular consequence: missense variant.
Genome position (GRCh38, 1-based): chr14:21,386,014, G>A on the plus strand (C>T on the coding strand, the complement: CHD8 is on the minus strand). VCF-style: chr14-21386014-G-A. GRCh37 (hg19) VCF-style: chr14-21854173-G-A.
Other names: c.6508C>T, p.His2170Tyr (NM_020920.4); short protein forms H2449Y, H2170Y.
Identifiers: ClinVar variation 1911468 (VCV001911468.5), dbSNP rs2501813580, ClinGen allele CA388875374.

ClinVar aggregate classification (germline): Uncertain significance (1 of 4 stars; one submission).

Allele frequency attached by ClinVar (database versions not stated): gnomAD exomes below 0.00001.
gnomAD v4.1: 2 of 1,593,736 alleles (0.00013%); highest among the groups gnomAD compares: Admixed American, 0.0035%; no homozygotes.

Submission:

Labcorp Genetics (formerly Invitae), Labcorp
Classification: Uncertain significance. Last evaluated: 2022-09-01. Review status: criteria provided, single submitter. Criteria: Invitae Variant Classification Sherloc (09022015). Collection method: clinical testing. Allele origin: germline.
Comment: This sequence change replaces histidine, which is basic and polar, with tyrosine, which is neutral and polar, at codon 2449 of the CHD8 protein (p.His2449Tyr). This variant is not present in population databases (gnomAD no frequency). This variant has not been reported in the literature in individuals affected with CHD8-related conditions. Algorithms developed to predict the effect of missense changes on protein structure and function (SIFT, PolyPhen-2, Align-GVGD) all suggest that this variant is likely to be tolerated. In summary, the available evidence is currently insufficient to determine the role of this variant in disease. Therefore, it has been classified as a Variant of Uncertain Significance.